The following is an entry in ClinVar:

GRCh38/hg38 Xq28(chrX:149602405-149653242)x3

Genes: TMEM185A (transmembrane protein 185A; minus strand), LOC109396974 (FRAXF repeat instability region; plus strand), LOC130068786 (ATAC-STARR-seq lymphoblastoid silent region 21044; plus strand), LOC130068787 (ATAC-STARR-seq lymphoblastoid silent region 21045; plus strand). Cytogenetic location: Xq28.
Variant type: copy number gain.
Change: copy number 3 of chrX:149,602,405-149,653,242 (50.8 kb, GRCh38 coordinates, 1-based), cytogenetic band Xq28.
Identifiers: ClinVar variation 151676 (VCV000151676.2).

ClinVar aggregate classification (germline): conflicting data from submitters (0 of 4 stars; one submission).

Submission:

GeneDx
Classification: conflicting data from submitters. Last evaluated: 2011-04-30. Review status: no assertion criteria provided. Collection method: clinical testing. Allele origin: unknown. Affected: yes. Observed: 2 variant alleles.
Comment: Uncertain significance(1), Likely benign (1)